The following is an entry in ClinVar:

ClinVar aggregate classification (germline): Likely benign. Review status: criteria provided, multiple submitters, no conflicts (2 of 4 stars). 4 submissions from 4 submitters: Likely benign (4). Last evaluated 2025-09-12.

Conditions:
Primary immunodeficiency with post-measles-mumps-rubella vaccine viral infection. Also called: Immunodeficiency 44. Identifiers: Orphanet 431166, MedGen C4225260, MONDO:0014715, OMIM 616636.

Allele frequency attached by ClinVar (database versions not stated): gnomAD exomes 0.00004 and 0.00014; ExAC 0.00016; gnomAD 0.00044 and 0.00046; TOPMed 0.00045; ESP Exome Variant Server 0.00069.
gnomAD v4.1: 141 of 1,614,018 alleles (0.0087%); highest among the groups gnomAD compares: African/African-American, 0.15%; no homozygotes.

Submissions (4):

Women's Health and Genetics/Laboratory Corporation of America, LabCorp
Classification: Likely benign. Last evaluated: 2025-09-12. Review status: criteria provided, single submitter. Criteria: LabCorp Variant Classification Summary - May 2015. Collection method: clinical testing. Allele origin: germline.

Labcorp Genetics (formerly Invitae), Labcorp
Classification: Likely benign for Primary immunodeficiency with post-measles-mumps-rubella vaccine viral infection. Last evaluated: 2025-08-30. Review status: criteria provided, single submitter. Criteria: Invitae Variant Classification Sherloc (09022015). Collection method: clinical testing. Allele origin: germline.

CeGaT Center for Human Genetics Tuebingen
Classification: Likely benign. Last evaluated: 2025-08-01. Review status: criteria provided, single submitter. Criteria: CeGaT Center For Human Genetics Tuebingen Variant Classification Criteria Version 2. Collection method: clinical testing. Allele origin: germline. Affected: yes. Observed: 1 variant allele.
Comment: STAT2: BP4, BP7

Blueprint Genetics
Classification: Likely benign. Last evaluated: 2023-07-19. Review status: criteria provided, single submitter. Criteria: ACMG Guidelines, 2015. Collection method: clinical testing. Allele origin: germline.

NM_005419.4(STAT2):c.378A>G (p.Gln126=)

Gene: STAT2 (signal transducer and activator of transcription 2; minus strand). Cytogenetic location: 12q13.3.
Variant type: single nucleotide variant.
Coding change: c.378A>G on transcript NM_005419.4 (MANE Select); coding-DNA position 378, A replaced by G.
Protein change: p.Gln126=; no amino-acid change (glutamine 126 retained).
Molecular consequence: synonymous variant.
Genome position (GRCh38, 1-based): chr12:56,355,711, T>C on the plus strand (A>G on the coding strand, the complement: STAT2 is on the minus strand). VCF-style: chr12-56355711-T-C. GRCh37 (hg19) VCF-style: chr12-56749495-T-C.
Other names: c.366A>G, p.Gln122= (NM_198332.2).
Identifiers: ClinVar variation 765697 (VCV000765697.19), dbSNP rs112826194, ClinGen allele CA6630894.